The following is an entry in ClinVar:

NM_001378373.1(MBL2):c.30_32del (p.Leu12del)

Gene: MBL2 (mannose binding lectin 2; minus strand). Cytogenetic location: 10q21.1.
Variant type: Deletion.
Coding change: c.30_32del on transcript NM_001378373.1 (MANE Select); coding-DNA positions 30 to 32, 3 bases deleted (TCT; older notation c.30_32delTCT).
Protein change: p.Leu12del; deletes leucine 12.
Molecular consequence: inframe deletion. On other transcripts: inframe indel (1).
Genome position (GRCh38, 1-based): chr10:52,771,604-52,771,606, AGA deleted on the plus strand (TCT on the coding strand, the reverse complement: MBL2 is on the minus strand); deleting any 3 consecutive bases within chr10:52,771,604-52,771,608 gives the same sequence; the c. name uses the placement nearest the transcript's 3' end. VCF-style (leftmost placement, unchanged base first): chr10-52771603-GAGA-G. GRCh37 (hg19) VCF-style: chr10-54531363-GAGA-G.
Other names: c.30_32del, p.Leu12del (NM_000242.3, NM_001378374.1); c.30_32delTCT (NM_000242.2); short protein forms L12del.
Identifiers: ClinVar variation 3353228 (VCV003353228.1).
Genomic context (GRCh38, chr10:52,771,603, plus strand): 5'-GGTCTTTTGGGCATCCTCACAGGTCACAGTTTCTGAGTAAGACGCTGCCACCATACTCAG[GAGA>G]AGGAGAGGGAGTGATGGAAACAGGGACATGGTCCTCACCTTGGTGTGAGAAAACTCAGGG-3'

ClinVar aggregate classification (germline): Uncertain significance (0 of 4 stars; one submission).

Conditions:
MBL2-related disorder. Also called: MBL2-related condition.

Submission:

PreventionGenetics, part of Exact Sciences
Classification: Uncertain significance for MBL2-related condition. Last evaluated: 2024-07-10. Review status: no assertion criteria provided. Collection method: clinical testing. Allele origin: germline.
Comment: The MBL2 c.30_32delTCT variant is predicted to result in an in-frame deletion (p.Leu12del). To our knowledge, this variant has not been reported in the literature. This variant is reported in 0.036% of alleles in individuals of African descent in gnomAD. Although we suspect that this variant may be benign, at this time, the clinical significance of this variant is uncertain due to the absence of conclusive functional and genetic evidence.